The following is an entry in ClinVar:

NM_001253697.2(ERBIN):c.1432G>C (p.Gly478Arg)

Gene: ERBIN (erbb2 interacting protein; plus strand). Cytogenetic location: 5q12.3.
Variant type: single nucleotide variant.
Coding change: c.1432G>C on transcript NM_001253697.2 (MANE Select); coding-DNA position 1432, G replaced by C.
Protein change: p.Gly478Arg; replaces glycine 478 with arginine.
Molecular consequence: missense variant.
Genome position (GRCh38, 1-based): chr5:66,044,140, G>C. VCF-style: chr5-66044140-G-C. GRCh37 (hg19) VCF-style: chr5-65339968-G-C.
Other names: c.1432G>C, p.Gly478Arg (NM_001253698.2, NM_001253699.2, NM_001253701.2 and 2 more transcripts); short protein forms G478R.
Identifiers: ClinVar variation 3729300 (VCV003729300.2).
Genomic context (GRCh38, chr5:66,044,140, plus strand): 5'-TTGAGATTGACATTAGAAATATTTGTACTTCATATTTTACTTATTTTATTTCTCTAGGAG[G>C]GAAATTTAAAAAGATATCCAACACCATACCCAGATGAGCTTAAGAATATGGTCAAAACTG-3'
Protein context (NP_001240626.1, residues 468-488): KDEREAPPRE[Gly478Arg]NLKRYPTPYP

ClinVar aggregate classification (germline): Uncertain significance (1 of 4 stars; one submission).

Submission:

Labcorp Genetics (formerly Invitae), Labcorp
Classification: Uncertain significance. Last evaluated: 2025-03-19. Review status: criteria provided, single submitter. Criteria: Invitae Variant Classification Sherloc (09022015). Collection method: clinical testing. Allele origin: germline.
Comment: This sequence change replaces glycine, which is neutral and non-polar, with arginine, which is basic and polar, at codon 478 of the ERBIN protein (p.Gly478Arg). This variant is not present in population databases (gnomAD no frequency). This variant has not been reported in the literature in individuals affected with ERBIN-related conditions. An algorithm developed to predict the effect of missense changes on protein structure and function (PolyPhen-2) suggests that this variant is likely to be disruptive. In summary, the available evidence is currently insufficient to determine the role of this variant in disease. Therefore, it has been classified as a Variant of Uncertain Significance.